The following is an entry in ClinVar:

NM_003718.5(CDK13):c.1948C>A (p.Pro650Thr)

Gene: CDK13 (cyclin dependent kinase 13; plus strand). Cytogenetic location: 7p14.1.
Variant type: single nucleotide variant.
Coding change: c.1948C>A on transcript NM_003718.5 (MANE Select); coding-DNA position 1948, C replaced by A.
Protein change: p.Pro650Thr; replaces proline 650 with threonine.
Molecular consequence: missense variant.
Genome position (GRCh38, 1-based): chr7:39,997,570, C>A. VCF-style: chr7-39997570-C-A. GRCh37 (hg19) VCF-style: chr7-40037169-C-A.
Other names: c.1948C>A, p.Pro650Thr (NM_031267.4); short protein forms P650T.
Identifiers: ClinVar variation 3671055 (VCV003671055.2).

ClinVar aggregate classification (germline): Uncertain significance (1 of 4 stars; one submission).

gnomAD v4.1: 1 of 1,606,538 alleles (0.000062%); highest among the groups gnomAD compares: Admixed American, 0.0017%; no homozygotes.

Submission:

Labcorp Genetics (formerly Invitae), Labcorp
Classification: Uncertain significance. Last evaluated: 2024-04-08. Review status: criteria provided, single submitter. Criteria: Invitae Variant Classification Sherloc (09022015). Collection method: clinical testing. Allele origin: germline.
Comment: This sequence change replaces proline, which is neutral and non-polar, with threonine, which is neutral and polar, at codon 650 of the CDK13 protein (p.Pro650Thr). This variant is not present in population databases (gnomAD no frequency). This variant has not been reported in the literature in individuals affected with CDK13-related conditions. Advanced modeling of protein sequence and biophysical properties (such as structural, functional, and spatial information, amino acid conservation, physicochemical variation, residue mobility, and thermodynamic stability) performed at Invitae indicates that this missense variant is expected to disrupt CDK13 protein function with a positive predictive value of 95%. In summary, the available evidence is currently insufficient to determine the role of this variant in disease. Therefore, it has been classified as a Variant of Uncertain Significance.